The following is an entry in ClinVar:

ClinVar aggregate classification (germline): Pathogenic (1 of 4 stars; one submission).

Conditions:
Duchenne muscular dystrophy (DMD). Also called: Duchenne Muscular Dystrophy (DMD); MUSCULAR DYSTROPHY, PSEUDOHYPERTROPHIC PROGRESSIVE, DUCHENNE TYPE. Identifiers: Orphanet 98896, MedGen C0013264, MONDO:0010679, OMIM 310200.

Submission:

Labcorp Genetics (formerly Invitae), Labcorp
Classification: Pathogenic for Duchenne muscular dystrophy. Last evaluated: 2022-07-11. Review status: criteria provided, single submitter. Criteria: Invitae Variant Classification Sherloc (09022015). Collection method: clinical testing. Allele origin: germline.
Comment: For these reasons, this variant has been classified as Pathogenic. This variant disrupts a region of the DMD protein in which other variant(s) (Deletion (Exons 45-47)) have been determined to be pathogenic (PMID: 2063877, 11257468, 16566881, 19449031, 21851881, 22090376). This suggests that this is a clinically significant region of the protein, and that variants that disrupt it are likely to be disease-causing. A similar copy number variant has been observed in individual(s) with Duchenne muscular dystrophy (PMID: 32559196). This variant is a gross deletion of the genomic region encompassing exon(s) 10-47 of the DMD gene. This variant would be expected to be in-frame, preserving the integrity of the reading frame.

Literature cited by the submitters: PubMed 2063877; PubMed 11257468; PubMed 16566881; PubMed 19449031; PubMed 21851881; PubMed 22090376; PubMed 32559196.

NC_000023.10:g.(?_31947693)_(32669194_?)del

Gene: DMD (dystrophin; minus strand). Cytogenetic location: Xp21.1.
Variant type: Deletion.
Identifiers: ClinVar variation 2424884 (VCV002424884.5).